The following is an entry in ClinVar:

NM_001845.6(COL4A1):c.342C>T (p.Asp114=)

Gene: COL4A1 (collagen type IV alpha 1 chain; minus strand). Cytogenetic location: 13q34.
Variant type: single nucleotide variant.
Coding change: c.342C>T on transcript NM_001845.6 (MANE Select); coding-DNA position 342, C replaced by T.
Protein change: p.Asp114=; no amino-acid change (aspartic acid 114 retained).
Molecular consequence: synonymous variant.
Genome position (GRCh38, 1-based): chr13:110,212,462, G>A on the plus strand (C>T on the coding strand, the complement: COL4A1 is on the minus strand). VCF-style: chr13-110212462-G-A. GRCh37 (hg19) VCF-style: chr13-110864809-G-A.
Other names: c.342C>T, p.Asp114= (NM_001303110.2).
Identifiers: ClinVar variation 1694712 (VCV001694712.36), dbSNP rs757542907, ClinGen allele CA7048554.

ClinVar aggregate classification (germline): Likely benign. Review status: criteria provided, multiple submitters, no conflicts (2 of 4 stars). 4 submissions from 4 submitters: Likely benign (4). Last evaluated 2025-02-06.

Allele frequency attached by ClinVar (database versions not stated): ExAC 0.00002; gnomAD exomes 0.00002 and 0.00004; TOPMed 0.00003.
gnomAD v4.1: 30 of 1,614,160 alleles (0.0019%); highest among the groups gnomAD compares: South Asian, 0.012%; no homozygotes.

Submissions (4):

Labcorp Genetics (formerly Invitae), Labcorp
Classification: Likely benign. Last evaluated: 2025-02-06. Review status: criteria provided, single submitter. Criteria: Invitae Variant Classification Sherloc (09022015). Collection method: clinical testing. Allele origin: germline.

Women's Health and Genetics/Laboratory Corporation of America, LabCorp
Classification: Likely benign. Last evaluated: 2025-02-04. Review status: criteria provided, single submitter. Criteria: LabCorp Variant Classification Summary - May 2015. Collection method: clinical testing. Allele origin: germline.

CeGaT Center for Human Genetics Tuebingen
Classification: Likely benign. Last evaluated: 2022-05-01. Review status: criteria provided, single submitter. Criteria: CeGaT Center For Human Genetics Tuebingen Variant Classification Criteria Version 2. Collection method: clinical testing. Allele origin: germline. Affected: yes. Observed: 1 variant allele.
Comment: COL4A1: BP4, BP7

Blueprint Genetics
Classification: Likely benign. Last evaluated: 2021-05-20. Review status: criteria provided, single submitter. Criteria: ACMG Guidelines, 2015. Collection method: clinical testing. Allele origin: germline.